The following is an entry in ClinVar:

NM_003108.4(SOX11):c.1031C>T (p.Ser344Phe)

Gene: SOX11 (SRY-box transcription factor 11; plus strand). Cytogenetic location: 2p25.2.
Variant type: single nucleotide variant.
Coding change: c.1031C>T on transcript NM_003108.4 (MANE Select); coding-DNA position 1031, C replaced by T.
Protein change: p.Ser344Phe; replaces serine 344 with phenylalanine.
Molecular consequence: missense variant.
Genome position (GRCh38, 1-based): chr2:5,693,752, C>T. VCF-style: chr2-5693752-C-T. GRCh37 (hg19) VCF-style: chr2-5833884-C-T.
Other names: short protein forms S344F.
Identifiers: ClinVar variation 2831329 (VCV002831329.3), dbSNP rs1003926124, ClinGen allele CA42006707.

ClinVar aggregate classification (germline): Uncertain significance (1 of 4 stars; one submission).

Allele frequency attached by ClinVar (database versions not stated): gnomAD exomes 0.00001.
gnomAD v4.1: 16 of 1,587,474 alleles (0.001%); highest among the groups gnomAD compares: Non-Finnish European, 0.0013%; no homozygotes.

Submission:

Labcorp Genetics (formerly Invitae), Labcorp
Classification: Uncertain significance. Last evaluated: 2023-10-24. Review status: criteria provided, single submitter. Criteria: Invitae Variant Classification Sherloc (09022015). Collection method: clinical testing. Allele origin: germline.
Comment: This sequence change replaces serine, which is neutral and polar, with phenylalanine, which is neutral and non-polar, at codon 344 of the SOX11 protein (p.Ser344Phe). This variant is present in population databases (no rsID available, gnomAD 0.001%). This variant has not been reported in the literature in individuals affected with SOX11-related conditions. Advanced modeling of protein sequence and biophysical properties (such as structural, functional, and spatial information, amino acid conservation, physicochemical variation, residue mobility, and thermodynamic stability) has been performed at Invitae for this missense variant, however the output from this modeling did not meet the statistical confidence thresholds required to predict the impact of this variant on SOX11 protein function. In summary, the available evidence is currently insufficient to determine the role of this variant in disease. Therefore, it has been classified as a Variant of Uncertain Significance.